The following is an entry in ClinVar:

NM_001374385.1(ATP8B1):c.1754A>G (p.Glu585Gly)

Gene: ATP8B1 (ATPase phospholipid transporting 8B1; minus strand). Cytogenetic location: 18q21.31.
Variant type: single nucleotide variant.
Coding change: c.1754A>G on transcript NM_001374385.1 (MANE Select); coding-DNA position 1754, A replaced by G.
Protein change: p.Glu585Gly; replaces glutamic acid 585 with glycine.
Molecular consequence: missense variant.
Genome position (GRCh38, 1-based): chr18:57,674,899, T>C on the plus strand (A>G on the coding strand, the complement: ATP8B1 is on the minus strand). VCF-style: chr18-57674899-T-C. GRCh37 (hg19) VCF-style: chr18-55342131-T-C.
Other names: c.1604A>G, p.Glu535Gly (NM_001374386.1); c.1754A>G, p.Glu585Gly (NM_005603.6); short protein forms E585G, E535G.
Identifiers: ClinVar variation 593175 (VCV000593175.15), dbSNP rs35238397, ClinGen allele CA8974485.

ClinVar aggregate classification (germline): Conflicting classifications of pathogenicity. Review status: criteria provided, conflicting classifications (1 of 4 stars). 5 submissions from 5 submitters: Uncertain significance (4); Likely benign (1). Last evaluated 2026-07-23.

Conditions:
ATP8B1-related disorder. Also called: ATP8B1-related disorders; ATP8B1-related condition.
Inborn genetic diseases. Identifiers: MedGen C0950123, MeSH D030342.
Progressive familial intrahepatic cholestasis type 1. Also called: BYLER DISEASE; Severe ATP8B1 Deficiency (Progressive Familial Intrahepatic Cholestasis Type 1 [PFIC1]); Byler's disease. Identifiers: Orphanet 79306, MedGen C4551898, MONDO:0008892, OMIM 211600.

Allele frequency attached by ClinVar (database versions not stated): gnomAD exomes 0.00001 and 0.00012; gnomAD 0.00004; TOPMed 0.00006; ExAC 0.00012.
gnomAD v4.1: 26 of 1,614,130 alleles (0.0016%); highest among the groups gnomAD compares: East Asian, 0.056%; no homozygotes.

Submissions (5):

PreventionGenetics, part of Exact Sciences
Classification: Uncertain significance for ATP8B1-related condition. Last evaluated: 2026-07-23. Review status: criteria provided, single submitter. Criteria: ACMG Guidelines, 2015. Collection method: clinical testing. Allele origin: germline.
Comment: The ATP8B1 c.1754A>G variant is predicted to result in the amino acid substitution p.Glu585Gly. To our knowledge, this variant has not been reported in the literature. This variant is reported in 0.17% of alleles in individuals of East Asian descent in gnomAD v2. However, in gnomAD v4 (available only on GRCh38), this variant is reported in only 0.05% of alleles in the East Asian subpopulation. Although we suspect that this variant may be benign, at this time, the clinical significance of this variant is uncertain due to the absence of conclusive functional and genetic evidence.

Labcorp Genetics (formerly Invitae), Labcorp
Classification: Likely benign. Last evaluated: 2025-12-30. Review status: criteria provided, single submitter. Criteria: Invitae Variant Classification Sherloc (09022015). Collection method: clinical testing. Allele origin: germline.

Ambry Genetics
Classification: Uncertain significance for Inborn genetic diseases. Last evaluated: 2023-01-31. Review status: criteria provided, single submitter. Criteria: Ambry Variant Classification Scheme 2023. Collection method: clinical testing. Allele origin: germline.

Illumina Laboratory Services, Illumina
Classification: Uncertain significance for Progressive familial intrahepatic cholestasis type 1. Last evaluated: 2018-01-13. Review status: criteria provided, single submitter. Criteria: ICSL Variant Classification Criteria 13 December 2019. Collection method: clinical testing. Allele origin: germline.

Eurofins Ntd Llc (ga)
Classification: Uncertain significance. Last evaluated: 2017-07-10. Review status: criteria provided, single submitter. Criteria: EGL Classification Definitions 2015. Collection method: clinical testing. Allele origin: germline. Observed: 1 variant allele, 1 heterozygote.